The following is an entry in ClinVar:

NM_176894.3(P2RY13):c.519C>T (p.Phe173=)

Genes: MED12L (mediator complex subunit 12L; plus strand), P2RY13 (purinergic receptor P2Y13; minus strand). Cytogenetic location: 3q25.1.
Variant type: single nucleotide variant.
Coding change: c.519C>T on transcript NM_176894.3 (MANE Select); coding-DNA position 519, C replaced by T.
Protein change: p.Phe173=; no amino-acid change (phenylalanine 173 retained).
Molecular consequence: synonymous variant. On other transcripts: intron variant (2).
Genome position (GRCh38, 1-based): chr3:151,328,537, G>A on the plus strand (C>T on the coding strand, the complement: P2RY13 is on the minus strand). VCF-style: chr3-151328537-G-A. GRCh37 (hg19) VCF-style: chr3-151046325-G-A.
Other names: c.2251-21522G>A (NM_001393769.1); c.2146-21522G>A (NM_053002.6).
Identifiers: ClinVar variation 5040319 (VCV005040319.1).

ClinVar aggregate classification (germline): Likely benign (1 of 4 stars; one submission).

gnomAD v4.1: 3 of 1,613,710 alleles (0.00019%); highest among the groups gnomAD compares: African/African-American, 0.0027%; no homozygotes.

Submission:

CeGaT Center for Human Genetics Tuebingen
Classification: Likely benign. Last evaluated: 2026-07-01. Review status: criteria provided, single submitter. Criteria: CeGaT Center For Human Genetics Tuebingen Variant Classification Criteria Version 2. Collection method: clinical testing. Allele origin: germline. Affected: yes. Observed: 1 variant allele.
Comment: P2RY13: BP4, BP7